The following is an entry in ClinVar:

ClinVar aggregate classification (germline): Uncertain significance (1 of 4 stars; one submission).

Conditions:
Hereditary breast ovarian cancer syndrome. Also called: BRCA1- and BRCA2-Associated Hereditary Breast and Ovarian Cancer; Hereditary breast and/or ovarian cancer syndrome; Hereditary breast and ovarian cancer; Hereditary breast and ovarian cancer syndrome (HBOC); Breast and ovarian cancer; Hereditary breast and ovarian cancer syndrome. Identifiers: Orphanet 145, MedGen C0677776, MeSH D061325, MONDO:0003582. Disease mechanism: loss of function.

Submission:

Labcorp Genetics (formerly Invitae), Labcorp
Classification: Uncertain significance for Hereditary breast ovarian cancer syndrome. Last evaluated: 2023-06-30. Review status: criteria provided, single submitter. Criteria: Invitae Variant Classification Sherloc (09022015). Collection method: clinical testing. Allele origin: germline.
Comment: This variant has not been reported in the literature in individuals affected with BRCA2-related conditions. This variant occurs in a non-coding region of the BRCA2 gene. It does not change the encoded amino acid sequence of the BRCA2 protein. This variant is not present in population databases (gnomAD no frequency). In summary, the available evidence is currently insufficient to determine the role of this variant in disease. Therefore, it has been classified as a Variant of Uncertain Significance.

NM_000059.4(BRCA2):c.-45G>T

Genes: BRCA2 (BRCA2 DNA repair associated; plus strand), LOC106721785 (BRCA2 promoter/silencer region; plus strand). Cytogenetic location: 13q13.1.
Variant type: single nucleotide variant.
Coding change: c.-45G>T on transcript NM_000059.4 (MANE Select); 45 bases upstream of the start codon, G replaced by T.
Molecular consequence: 5 prime UTR variant. On other transcripts: non-coding transcript variant (1).
Genome position (GRCh38, 1-based): chr13:32,315,662, G>T. VCF-style: chr13-32315662-G-T. GRCh37 (hg19) VCF-style: chr13-32889799-G-T.
Other names: c.-45G>T (NM_001406719.1, NM_001406720.1, NM_001406721.1); c.-308G>T (NM_001406722.1).
Identifiers: ClinVar variation 2733506 (VCV002733506.3), dbSNP rs2138695684, ClinGen allele CA2622597086.